The following is an entry in ClinVar:

NM_001367561.1(DOCK7):c.4146T>G (p.Asn1382Lys)

Gene: DOCK7 (dedicator of cytokinesis 7; minus strand). Cytogenetic location: 1p31.3.
Variant type: single nucleotide variant.
Coding change: c.4146T>G on transcript NM_001367561.1 (MANE Select); coding-DNA position 4146, T replaced by G.
Protein change: p.Asn1382Lys; replaces asparagine 1382 with lysine.
Molecular consequence: missense variant.
Genome position (GRCh38, 1-based): chr1:62,513,580, A>C on the plus strand (T>G on the coding strand, the complement: DOCK7 is on the minus strand). VCF-style: chr1-62513580-A-C. GRCh37 (hg19) VCF-style: chr1-62979251-A-C.
Other names: c.4146T>G, p.Asn1382Lys (NM_001271999.2, NM_001330614.2); c.4053T>G, p.Asn1351Lys (NM_001272000.2, NM_001272001.2, NM_033407.4); short protein forms N1351K, N1382K.
Identifiers: ClinVar variation 1716454 (VCV001716454.6), dbSNP rs55865872, ClinGen allele CA340624555.

ClinVar aggregate classification (germline): Uncertain significance (1 of 4 stars; one submission).

Conditions:
Developmental and epileptic encephalopathy, 23 (DEE23). Also called: Epileptic encephalopathy, early infantile, 23. Identifiers: Orphanet 411986, MedGen C4014492, MONDO:0014371, OMIM 615859.

Submission:

Labcorp Genetics (formerly Invitae), Labcorp
Classification: Uncertain significance for Developmental and epileptic encephalopathy, 23. Last evaluated: 2022-08-15. Review status: criteria provided, single submitter. Criteria: Invitae Variant Classification Sherloc (09022015). Collection method: clinical testing. Allele origin: germline.
Comment: In summary, the available evidence is currently insufficient to determine the role of this variant in disease. Therefore, it has been classified as a Variant of Uncertain Significance. Algorithms developed to predict the effect of missense changes on protein structure and function are either unavailable or do not agree on the potential impact of this missense change (SIFT: "Deleterious"; PolyPhen-2: "Possibly Damaging"; Align-GVGD: "Class C0"). This variant has not been reported in the literature in individuals affected with DOCK7-related conditions. This variant is not present in population databases (gnomAD no frequency). This sequence change replaces asparagine, which is neutral and polar, with lysine, which is basic and polar, at codon 1382 of the DOCK7 protein (p.Asn1382Lys).